The following is an entry in ClinVar:

ClinVar aggregate classification (germline): Uncertain significance (1 of 4 stars; one submission).

Conditions:
Pityriasis rubra pilaris (PRP). Also called: Pityriasis rubra pilaris--familial type. Identifiers: Orphanet 2897, MedGen C0032027, MONDO:0100017, OMIM 173200, MONDO:0008251.
Psoriasis 2. Identifiers: MedGen C1864497, MONDO:0011269, OMIM 602723.

Allele frequency attached by ClinVar (database versions not stated): gnomAD exomes below 0.00001; ESP Exome Variant Server 0.00008.

Submission:

Labcorp Genetics (formerly Invitae), Labcorp
Classification: Uncertain significance for Pityriasis rubra pilaris; Psoriasis 2. Last evaluated: 2024-03-01. Review status: criteria provided, single submitter. Criteria: Invitae Variant Classification Sherloc (09022015). Collection method: clinical testing. Allele origin: germline.
Comment: This sequence change replaces serine, which is neutral and polar, with proline, which is neutral and non-polar, at codon 483 of the CARD14 protein (p.Ser483Pro). This variant is present in population databases (rs374170794, gnomAD 0.0009%). This variant has not been reported in the literature in individuals affected with CARD14-related conditions. ClinVar contains an entry for this variant (Variation ID: 659331). Advanced modeling of protein sequence and biophysical properties (such as structural, functional, and spatial information, amino acid conservation, physicochemical variation, residue mobility, and thermodynamic stability) performed at Invitae indicates that this missense variant is expected to disrupt CARD14 protein function with a positive predictive value of 80%. In summary, the available evidence is currently insufficient to determine the role of this variant in disease. Therefore, it has been classified as a Variant of Uncertain Significance.

NM_001366385.1(CARD14):c.1447T>C (p.Ser483Pro)

Gene: CARD14 (caspase recruitment domain family member 14; plus strand). Cytogenetic location: 17q25.3.
Variant type: single nucleotide variant.
Coding change: c.1447T>C on transcript NM_001366385.1 (MANE Select); coding-DNA position 1447, T replaced by C.
Protein change: p.Ser483Pro; replaces serine 483 with proline.
Molecular consequence: missense variant. On other transcripts: non-coding transcript variant (1).
Genome position (GRCh38, 1-based): chr17:80,195,281, T>C. VCF-style: chr17-80195281-T-C. GRCh37 (hg19) VCF-style: chr17-78169080-T-C.
Other names: c.1447T>C, p.Ser483Pro (NM_024110.4, NM_001257970.1); c.736T>C, p.Ser246Pro (NM_052819.3); short protein forms S246P, S483P.
Identifiers: ClinVar variation 659331 (VCV000659331.9), dbSNP rs374170794, ClinGen allele CA294870210.